The following is an entry in ClinVar:

NM_005070.4(SLC4A3):c.1990G>A (p.Gly664Arg)

Gene: SLC4A3 (solute carrier family 4 member 3; plus strand). Cytogenetic location: 2q35.
Variant type: single nucleotide variant.
Coding change: c.1990G>A on transcript NM_005070.4 (MANE Select); coding-DNA position 1990, G replaced by A.
Protein change: p.Gly664Arg; replaces glycine 664 with arginine.
Molecular consequence: missense variant. On other transcripts: non-coding transcript variant (1).
Genome position (GRCh38, 1-based): chr2:219,635,690, G>A. VCF-style: chr2-219635690-G-A. GRCh37 (hg19) VCF-style: chr2-220500412-G-A.
Other names: c.2071G>A, p.Gly691Arg (NM_001326559.2, NM_201574.3); short protein forms G664R, G691R.
Identifiers: ClinVar variation 3044649 (VCV003044649.4), dbSNP rs55910611, ClinGen allele CA2134085.

ClinVar aggregate classification (germline): Likely benign. Review status: criteria provided, multiple submitters, no conflicts (2 of 4 stars). 3 submissions from 3 submitters: Likely benign (2). 1 of the submissions does not count toward it. Last evaluated 2026-07-01.

Conditions:
SLC4A3-related disorder. Also called: SLC4A3-related condition.

Allele frequency attached by ClinVar (database versions not stated): 1000 Genomes Project 0.00180; 1000 Genomes Project 30x 0.00187; gnomAD 0.00405; TOPMed 0.00444; ESP Exome Variant Server 0.00531; ExAC 0.00773.
gnomAD v4.1: 8,797 of 1,588,754 alleles (0.55%); highest among the groups gnomAD compares: Non-Finnish European, 0.69%; 24 homozygotes.

Submissions (3):

CeGaT Center for Human Genetics Tuebingen
Classification: Likely benign. Last evaluated: 2026-07-01. Review status: criteria provided, single submitter. Criteria: CeGaT Center For Human Genetics Tuebingen Variant Classification Criteria Version 2. Collection method: clinical testing. Allele origin: germline. Affected: yes. Observed: 1 variant allele.
Comment: SLC4A3: BP4, BS2

Molecular Diagnostic Laboratory for Inherited Cardiovascular Disease, Montreal Heart Institute
Classification: Likely benign. Last evaluated: 2025-04-09. Review status: criteria provided, single submitter. Criteria: ACMG Guidelines, 2015. Collection method: clinical testing. Allele origin: germline. Affected: no.

PreventionGenetics, part of Exact Sciences
Classification: Likely benign for SLC4A3-related condition. Last evaluated: 2023-08-10. Review status: no assertion criteria provided. Collection method: clinical testing. Allele origin: germline. Not counted in ClinVar's aggregate classification.
Comment: This variant is classified as likely benign based on ACMG/AMP sequence variant interpretation guidelines (Richards et al. 2015 PMID: 25741868, with internal and published modifications).